The following is an entry in ClinVar:

ClinVar aggregate classification (germline): Uncertain significance (1 of 4 stars; one submission).

Conditions:
Inborn genetic diseases. Identifiers: MedGen C0950123, MeSH D030342.

Submission:

Ambry Genetics
Classification: Uncertain significance for Inborn genetic diseases. Last evaluated: 2025-08-30. Review status: criteria provided, single submitter. Criteria: Ambry Variant Classification Scheme 2023. Collection method: clinical testing. Allele origin: germline.
Comment: The p.N357D variant (also known as c.1069A>G), located in coding exon 9 of the CEP57 gene, results from an A to G substitution at nucleotide position 1069. The asparagine at codon 357 is replaced by aspartic acid, an amino acid with highly similar properties. This amino acid position is conserved. In addition, this alteration is predicted to be tolerated by in silico analysis. Based on the available evidence, the clinical significance of this variant remains unclear.

NM_014679.5(CEP57):c.1069A>G (p.Asn357Asp)

Gene: CEP57 (centrosomal protein 57; plus strand). Cytogenetic location: 11q21.
Variant type: single nucleotide variant.
Coding change: c.1069A>G on transcript NM_014679.5 (MANE Select); coding-DNA position 1069, A replaced by G.
Protein change: p.Asn357Asp; replaces asparagine 357 with aspartic acid.
Molecular consequence: missense variant.
Genome position (GRCh38, 1-based): chr11:95,827,969, A>G. VCF-style: chr11-95827969-A-G. GRCh37 (hg19) VCF-style: chr11-95561133-A-G.
Other names: c.1042A>G, p.Asn348Asp (NM_001243776.2); c.991A>G, p.Asn331Asp (NM_001243777.2); c.988A>G, p.Asn330Asp (NM_001363604.2, NM_001440869.1, NM_001440870.1); c.961A>G, p.Asn321Asp (NM_001440871.1); c.952A>G, p.Asn318Asp (NM_001440872.1); c.889A>G, p.Asn297Asp (NM_001440873.1); c.883A>G, p.Asn295Asp (NM_001440874.1); c.880A>G, p.Asn294Asp (NM_001440875.1); and 6 more; short protein forms N292D, N294D, N318D, N256D, N282D, N291D, N295D, N330D.
Identifiers: ClinVar variation 4226392 (VCV004226392.1).